The following is an entry in ClinVar:

NM_005876.5(SPEG):c.5710G>C (p.Val1904Leu)

Genes: ASIC4-AS1 (ASIC4 antisense RNA 1; minus strand), SPEG (striated muscle enriched protein kinase; plus strand). Cytogenetic location: 2q35.
Variant type: single nucleotide variant.
Coding change: c.5710G>C on transcript NM_005876.5 (MANE Select); coding-DNA position 5710, G replaced by C.
Protein change: p.Val1904Leu; replaces valine 1904 with leucine.
Molecular consequence: missense variant.
Genome position (GRCh38, 1-based): chr2:219,483,173, G>C. VCF-style: chr2-219483173-G-C. GRCh37 (hg19) VCF-style: chr2-220347895-G-C.
Other names: c.5710G>C (NM_005876.4); short protein forms V1904L.
Identifiers: ClinVar variation 1489390 (VCV001489390.9), dbSNP rs370032839, ClinGen allele CA65990071.

ClinVar aggregate classification (germline): Uncertain significance. Review status: criteria provided, multiple submitters, no conflicts (2 of 4 stars). 2 submissions from 2 submitters: Uncertain significance (2). Last evaluated 2023-12-08.

Conditions:
Inborn genetic diseases. Identifiers: MedGen C0950123, MeSH D030342.

Submissions (2):

Ambry Genetics
Classification: Uncertain significance for Inborn genetic diseases. Last evaluated: 2023-12-08. Review status: criteria provided, single submitter. Criteria: Ambry Variant Classification Scheme 2023. Collection method: clinical testing. Allele origin: germline.

Labcorp Genetics (formerly Invitae), Labcorp
Classification: Uncertain significance. Last evaluated: 2021-06-16. Review status: criteria provided, single submitter. Criteria: Invitae Variant Classification Sherloc (09022015). Collection method: clinical testing. Allele origin: germline.
Comment: In summary, the available evidence is currently insufficient to determine the role of this variant in disease. Therefore, it has been classified as a Variant of Uncertain Significance. Algorithms developed to predict the effect of missense changes on protein structure and function are either unavailable or do not agree on the potential impact of this missense change (SIFT: "Deleterious"; PolyPhen-2: "Benign"; Align-GVGD: "Class C0"). This variant has not been reported in the literature in individuals with SPEG-related conditions. This variant is not present in population databases (ExAC no frequency). This sequence change replaces valine with leucine at codon 1904 of the SPEG protein (p.Val1904Leu). The valine residue is highly conserved and there is a small physicochemical difference between valine and leucine.